The following is an entry in ClinVar:

NM_000426.4(LAMA2):c.715C>T (p.Arg239Cys)

Gene: LAMA2 (laminin subunit alpha 2; plus strand). Cytogenetic location: 6q22.33.
Variant type: single nucleotide variant.
Coding change: c.715C>T on transcript NM_000426.4 (MANE Select); coding-DNA position 715, C replaced by T.
Protein change: p.Arg239Cys; replaces arginine 239 with cysteine.
Molecular consequence: missense variant.
Genome position (GRCh38, 1-based): chr6:129,143,976, C>T. VCF-style: chr6-129143976-C-T. GRCh37 (hg19) VCF-style: chr6-129465121-C-T.
Other names: c.715C>T, p.Arg239Cys (NM_001079823.2); short protein forms R239C.
Identifiers: ClinVar variation 224092 (VCV000224092.15), dbSNP rs145465528, ClinGen allele CA211945.
Genomic context (GRCh38, chr6:129,143,976, plus strand): 5'-ATCAATGGGAGACCAAGTGCCGATGATCCTTCTCCAGAACTGCTAGAATTTACCTCCGCT[C>T]GCTATATTCGCCTGAGATTTCAGAGGATCCGCACACTGAATGCTGACTTGATGATGTTTG-3'
Protein context (NP_000417.3, residues 229-249): SPELLEFTSA[Arg239Cys]YIRLRFQRIR

ClinVar aggregate classification (germline): Uncertain significance. Review status: criteria provided, multiple submitters, no conflicts (2 of 4 stars). 9 submissions from 9 submitters: Uncertain significance (8). 1 of the submissions does not count toward it. Last evaluated 2024-11-06.

Conditions:
Merosin deficient congenital muscular dystrophy (MDC1A). Also called: Congenital Muscular Dystrophy Type 1A (MDC1A); Congenital merosin-deficient muscular dystrophy 1A. Identifiers: Orphanet 258, MedGen C1263858, MONDO:0011925, OMIM 607855.
LAMA2-related muscular dystrophy (LAMA2-RD). Also called: Laminin alpha 2-related dystrophy. Identifiers: MedGen C5679788, MONDO:0100228.
Muscular dystrophy, limb-girdle, autosomal recessive 23. Identifiers: Orphanet 565837, MedGen C4748327, MONDO:0029136, OMIM 618138.

Allele frequency attached by ClinVar (database versions not stated): ExAC 0.00005; gnomAD exomes 0.00006; gnomAD 0.00008 and 0.00009; TOPMed 0.00010; ESP Exome Variant Server 0.00023.
gnomAD v4.1: 237 of 1,612,042 alleles (0.015%); highest among the groups gnomAD compares: Non-Finnish European, 0.018%; no homozygotes.

Submissions (9):

Blueprint Genetics
Classification: Uncertain significance. Last evaluated: 2024-11-06. Review status: criteria provided, single submitter. Criteria: ACMG Guidelines, 2015. Collection method: clinical testing. Allele origin: germline.

Revvity Omics, Revvity
Classification: Uncertain significance. Last evaluated: 2024-04-09. Review status: criteria provided, single submitter. Criteria: ACMG Guidelines, 2015. Collection method: clinical testing. Allele origin: germline.

HudsonAlpha Institute for Biotechnology
Classification: Uncertain significance for Merosin deficient congenital muscular dystrophy. Last evaluated: 2024-02-16. Review status: criteria provided, single submitter. Criteria: HA_assertions_20161101. Collection method: research. Allele origin: unknown. Affected: yes. Observed: 1 variant allele, 1 homozygote. Study: CSER-HudsonAlpha.

Women's Health and Genetics/Laboratory Corporation of America, LabCorp
Classification: Uncertain significance. Last evaluated: 2022-11-06. Review status: criteria provided, single submitter. Criteria: LabCorp Variant Classification Summary - May 2015. Collection method: clinical testing. Allele origin: germline.
Comment: Variant summary: LAMA2 c.715C>T (p.Arg239Cys) results in a non-conservative amino acid change located in the Laminin, N-terminal domain (IPR008211) of the encoded protein sequence. Five of five in-silico tools predict a damaging effect of the variant on protein function. The variant allele was found at a frequency of 6.4e-05 in 282172 control chromosomes (gnomAD). This frequency is not significantly higher than expected for a pathogenic variant in LAMA2 causing Laminin Alpha 2-Related Dystrophy (6.4e-05 vs 0.0022), allowing no conclusion about variant significance. c.715C>T has been reported in the literature in two homozygous siblings affected with moderate intellectual disability, seizures, ataxia, spastic diplegia and hypotonia (Bowling_2017). These phenotypes are consistent with Congenital Merosin Deficient Muscular Dystrophy (MIM # 607855). These data indicate that the variant is likely to be associated with disease. To our knowledge, no experimental evidence demonstrating an impact on protein function has been reported. Four ClinVar submitters have assessed the variant since 2014: one classified the variant as likely pathogenic and three as uncertain significance. Based on the evidence outlined above, the variant was classified as VUS-possibly pathogenic.

Labcorp Genetics (formerly Invitae), Labcorp
Classification: Uncertain significance for LAMA2-related muscular dystrophy. Last evaluated: 2022-08-16. Review status: criteria provided, single submitter. Criteria: Invitae Variant Classification Sherloc (09022015). Collection method: clinical testing. Allele origin: germline.
Comment: This sequence change replaces arginine, which is basic and polar, with cysteine, which is neutral and slightly polar, at codon 239 of the LAMA2 protein (p.Arg239Cys). This variant is present in population databases (rs145465528, gnomAD 0.01%). This missense change has been observed in individual(s) with developmental delays, seizures, ataxia, and spastic diplegia (PMID: 28554332). It has also been observed to segregate with disease in related individuals. ClinVar contains an entry for this variant (Variation ID: 224092). Algorithms developed to predict the effect of missense changes on protein structure and function are either unavailable or do not agree on the potential impact of this missense change (SIFT: "Deleterious"; PolyPhen-2: "Probably Damaging"; Align-GVGD: "Class C0"). In summary, the available evidence is currently insufficient to determine the role of this variant in disease. Therefore, it has been classified as a Variant of Uncertain Significance.

Department of Pathology and Laboratory Medicine, Sinai Health System
Classification: Uncertain significance for Merosin deficient congenital muscular dystrophy; Muscular dystrophy, limb-girdle, autosomal recessive 23. Last evaluated: 2022-06-02. Review status: criteria provided, single submitter. Criteria: ACMG Guidelines, 2015. Collection method: research. Allele origin: germline.

Victorian Clinical Genetics Services, Murdoch Childrens Research Institute
Classification: Uncertain significance for Muscular dystrophy, limb-girdle, autosomal recessive 23. Last evaluated: 2022-02-02. Review status: criteria provided, single submitter. Criteria: ACMG Guidelines, 2015. Collection method: clinical testing. Allele origin: germline. Inheritance: Autosomal recessive inheritance. Affected: yes.
Comment: Based on the classification scheme VCGS_Germline_v1.1.1, this variant is classified as 3A-VUS. Following criteria are met: 0102 - Loss-of-function is a known mechanism of disease for this gene. (N) 0106 - This gene is known to be associated with autosomal recessive disease. (N) 0200 - Variant is predicted to result in a missense amino acid change from arginine to cysteine (exon 5). (N) 0251 - Variant is heterozygous. (N) 0304 - Variant is present in gnomAD <0.01 for a recessive condition (18 heterozygotes, 0 homozygotes). (P) 0309 - Alternative amino acid changes at the same position have been observed in gnomAD: p.(Arg239His): 7 heterozygotes, 0 homozygotes; p.(Arg239Leu): 1 heterozygote, 0 homozygotes. (N) 0501 - Missense variant consistently predicted to be damaging by multiple in silico tools or highly conserved with a major amino acid change. (P) 0600 - Variant is located in an annotated domain or motif (laminin N-terminal domain; NCBI, PDB). (N) 0705 - No comparable variants have previous evidence for pathogenicity. (N) 0803 - Low previous evidence of pathogenicity in unrelated individuals. This variant has been reported as likely pathogenic and homozygous in 2 affected siblings with intellectual disability, seizures, speech delay, ataxia and spastic diplegia (affected sibling also had hypertonia) (PMID: 28554332). This variant has also been reported as a variant with uncertain significance in ClinVar. (P) 0905 - No segregation evidence has been identified for this variant. There is no sufficient information for segregation evidence in the reported patients (PMID: 28554332). (N) 1007 - No published functional evidence has been identified for this variant. (N) 1208 - Inheritance information for this variant is not currently available. (N) Legend: (P) - Pathogenic, (N) - Neutral, (B) - Benign

GeneDx
Classification: Uncertain significance. Last evaluated: 2019-04-11. Review status: criteria provided, single submitter. Criteria: GeneDx Variant Classification Process June 2021. Collection method: clinical testing. Allele origin: germline. Affected: yes.
Comment: Not observed at a significant frequency in large population cohorts (Lek et al., 2016); This variant is associated with the following publications: (PMID: 28554332)

Counsyl
Classification: Uncertain significance for Merosin deficient congenital muscular dystrophy. Last evaluated: 2018-04-02. Review status: no assertion criteria provided. Collection method: clinical testing. Allele origin: unknown. Not counted in ClinVar's aggregate classification.

Literature cited by the submitters: PubMed 28554332 (cited by 4 submitters).